The following is an entry in ClinVar:

ClinVar aggregate classification (germline): Uncertain significance. Review status: criteria provided, multiple submitters, no conflicts (2 of 4 stars). 2 submissions from 2 submitters: Uncertain significance (2). Last evaluated 2025-08-26.

Conditions:
Cardiovascular phenotype. Identifiers: MedGen CN230736.
Brugada syndrome. Also called: Sudden unexpected nocturnal death syndrome; Sudden unexplained nocturnal death syndrome; Sudden Unexplained Death Syndrome; Sudden Unexplained Nocturnal Death Syndrome (SUNDS). Identifiers: Orphanet 130, MedGen C1142166, MONDO:0015263.

Allele frequency attached by ClinVar (database versions not stated): TOPMed below 0.00001; gnomAD 0.00001.
gnomAD v4.1: 10 of 1,570,576 alleles (0.00064%); highest among the groups gnomAD compares: Admixed American, 0.0017%; no homozygotes.

Submissions (2):

Labcorp Genetics (formerly Invitae), Labcorp
Classification: Uncertain significance for Brugada syndrome. Last evaluated: 2025-08-26. Review status: criteria provided, single submitter. Criteria: Invitae Variant Classification Sherloc (09022015). Collection method: clinical testing. Allele origin: germline.
Comment: This sequence change replaces asparagine, which is neutral and polar, with tyrosine, which is neutral and polar, at codon 664 of the CACNA2D1 protein (p.Asn664Tyr). This variant is not present in population databases (gnomAD no frequency). This variant has not been reported in the literature in individuals affected with CACNA2D1-related conditions. ClinVar contains an entry for this variant (Variation ID: 519303). An algorithm developed to predict the effect of missense changes on protein structure and function (PolyPhen-2) suggests that this variant is likely to be disruptive. In summary, the available evidence is currently insufficient to determine the role of this variant in disease. Therefore, it has been classified as a Variant of Uncertain Significance.

Ambry Genetics
Classification: Uncertain significance for Cardiovascular phenotype. Last evaluated: 2025-04-18. Review status: criteria provided, single submitter. Criteria: Ambry Variant Classification Scheme 2023. Collection method: clinical testing. Allele origin: germline.

NM_000722.4(CACNA2D1):c.1990A>T (p.Asn664Tyr)

Gene: CACNA2D1 (calcium voltage-gated channel auxiliary subunit alpha2delta 1; minus strand). Cytogenetic location: 7q21.11.
Variant type: single nucleotide variant.
Coding change: c.1990A>T on transcript NM_000722.4 (MANE Select); coding-DNA position 1990, A replaced by T.
Protein change: p.Asn664Tyr; replaces asparagine 664 with tyrosine.
Molecular consequence: missense variant.
Genome position (GRCh38, 1-based): chr7:81,974,518, T>A on the plus strand (A>T on the coding strand, the complement: CACNA2D1 is on the minus strand). VCF-style: chr7-81974518-T-A. GRCh37 (hg19) VCF-style: chr7-81603834-T-A.
Other names: c.2026A>T, p.Asn676Tyr (NM_001366867.1); c.1990A>T (LRG_437t1); short protein forms N664Y, N676Y.
Identifiers: ClinVar variation 519303 (VCV000519303.14), dbSNP rs777463785, ClinGen allele CA367892800.
Genomic context (GRCh38, chr7:81,974,518, plus strand): 5'-ATGGGTTGTTTGGAGTTTTTCTATCAATAAACTCGTTGAAATTTAAAAGAAATTCAGTGT[T>A]ATTATCCGATATTTTCAGGTCATTGCAGTAATCTCTGAAAAAAAAACATTTTGAGATATT-3'
Protein context (NP_000713.2, residues 654-674): YCNDLKISDN[Asn664Tyr]TEFLLNFNEF